The following is an entry in ClinVar:

NM_006031.6(PCNT):c.298G>A (p.Asp100Asn)

Gene: PCNT (pericentrin; plus strand). Cytogenetic location: 21q22.3.
Variant type: single nucleotide variant.
Coding change: c.298G>A on transcript NM_006031.6 (MANE Select); coding-DNA position 298, G replaced by A.
Protein change: p.Asp100Asn; replaces aspartic acid 100 with asparagine.
Molecular consequence: missense variant. On other transcripts: 5 prime UTR variant (1).
Genome position (GRCh38, 1-based): chr21:46,334,427, G>A. VCF-style: chr21-46334427-G-A. GRCh37 (hg19) VCF-style: chr21-47754341-G-A.
Other names: c.298G>A (NM_006031.5); c.-57G>A (NM_001315529.2); short protein forms D100N.
Identifiers: ClinVar variation 2085459 (VCV002085459.8), dbSNP rs767858824, ClinGen allele CA10078219.

ClinVar aggregate classification (germline): Uncertain significance. Review status: criteria provided, multiple submitters, no conflicts (2 of 4 stars). 3 submissions from 3 submitters: Uncertain significance (2). 1 of the submissions does not count toward it. Last evaluated 2025-12-16.

Conditions:
PCNT-related disorder. Also called: PCNT-related condition.
Inborn genetic diseases. Identifiers: MedGen C0950123, MeSH D030342.

Allele frequency attached by ClinVar (database versions not stated): ExAC 0.00003.
gnomAD v4.1: 138 of 1,614,080 alleles (0.0085%); highest among the groups gnomAD compares: Non-Finnish European, 0.011%; no homozygotes.

Submissions (3):

Ambry Genetics
Classification: Uncertain significance for Inborn genetic diseases. Last evaluated: 2025-12-16. Review status: criteria provided, single submitter. Criteria: Ambry Variant Classification Scheme 2023. Collection method: clinical testing. Allele origin: germline.

Labcorp Genetics (formerly Invitae), Labcorp
Classification: Uncertain significance. Last evaluated: 2025-06-19. Review status: criteria provided, single submitter. Criteria: Invitae Variant Classification Sherloc (09022015). Collection method: clinical testing. Allele origin: germline.
Comment: This sequence change replaces aspartic acid, which is acidic and polar, with asparagine, which is neutral and polar, at codon 100 of the PCNT protein (p.Asp100Asn). This variant is present in population databases (rs767858824, gnomAD 0.01%). This variant has not been reported in the literature in individuals affected with PCNT-related conditions. ClinVar contains an entry for this variant (Variation ID: 2085459). An algorithm developed to predict the effect of missense changes on protein structure and function (PolyPhen-2) suggests that this variant is likely to be disruptive. In summary, the available evidence is currently insufficient to determine the role of this variant in disease. Therefore, it has been classified as a Variant of Uncertain Significance.

PreventionGenetics, part of Exact Sciences
Classification: Uncertain significance for PCNT-related condition. Last evaluated: 2024-04-30. Review status: no assertion criteria provided. Collection method: clinical testing. Allele origin: germline. Not counted in ClinVar's aggregate classification.
Comment: The PCNT c.298G>A variant is predicted to result in the amino acid substitution p.Asp100Asn. To our knowledge, this variant has not been reported in the literature. This variant is reported in 0.014% of alleles in individuals of Latino descent in gnomAD. At this time, the clinical significance of this variant is uncertain due to the absence of conclusive functional and genetic evidence.